The following is an entry in ClinVar:

NM_015602.4(TOR1AIP1):c.126G>A (p.Ala42=)

Genes: TOR1AIP1 (torsin 1A interacting protein 1; plus strand), LOC112577517 (Sharpr-MPRA regulatory region 13766; plus strand). Cytogenetic location: 1q25.2.
Variant type: single nucleotide variant.
Coding change: c.126G>A on transcript NM_015602.4 (MANE Select); coding-DNA position 126, G replaced by A.
Protein change: p.Ala42=; no amino-acid change (alanine 42 retained).
Molecular consequence: synonymous variant.
Genome position (GRCh38, 1-based): chr1:179,882,628, G>A. VCF-style: chr1-179882628-G-A. GRCh37 (hg19) VCF-style: chr1-179851763-G-A.
Other names: c.126G>A, p.Ala42= (NM_001267578.2).
Identifiers: ClinVar variation 2078896 (VCV002078896.6), dbSNP rs1273760791, ClinGen allele CA422266979.
Genomic context (GRCh38, chr1:179,882,628, plus strand): 5'-GGCCCCCATCCGAGAGGGAAGGGGCCGGCTCGCCCCTCAAAATGGCGGCAGCAGCGATGC[G>A]CCTGCGTACAGAACTCCTCCGTCGCGCCAGGGCCGGCGGGAAGTGAGGTTCTCGGACGAG-3'
Protein context (NP_056417.2, residues 32-52): LAPQNGGSSD[Ala42=]PAYRTPPSRQ

ClinVar aggregate classification (germline): Likely benign. Review status: criteria provided, multiple submitters, no conflicts (2 of 4 stars). 2 submissions from 2 submitters: Likely benign (2). Last evaluated 2026-05-01.

Conditions:
Autosomal recessive limb-girdle muscular dystrophy type 2Y (MRRSDC). Also called: Muscular dystrophy, limb-girdle, type 2y; Muscular dystrophy, autosomal recessive, with rigid spine and distal joint contractures. Identifiers: Orphanet 424261, MedGen C4511482, MONDO:0014900, OMIM 617072.

Allele frequency attached by ClinVar (database versions not stated): gnomAD exomes below 0.00001; TOPMed below 0.00001.
gnomAD v4.1: 2 of 1,535,700 alleles (0.00013%); highest among the groups gnomAD compares: Non-Finnish European, 0.000087%; no homozygotes.

Submissions (2):

CeGaT Center for Human Genetics Tuebingen
Classification: Likely benign. Last evaluated: 2026-05-01. Review status: criteria provided, single submitter. Criteria: CeGaT Center For Human Genetics Tuebingen Variant Classification Criteria Version 2. Collection method: clinical testing. Allele origin: germline. Affected: yes. Observed: 1 variant allele.
Comment: TOR1AIP1: BP4, BP7

Labcorp Genetics (formerly Invitae), Labcorp
Classification: Likely benign for Autosomal recessive limb-girdle muscular dystrophy type 2Y. Last evaluated: 2021-12-10. Review status: criteria provided, single submitter. Criteria: Invitae Variant Classification Sherloc (09022015). Collection method: clinical testing. Allele origin: germline.